The following is an entry in ClinVar:

ClinVar aggregate classification (germline): Likely benign. Review status: criteria provided, multiple submitters, no conflicts (2 of 4 stars). 2 submissions from 2 submitters: Likely benign (2). Last evaluated 2025-07-24.

Conditions:
NPC1-related disorder. Also called: NPC1-related condition.
Niemann-Pick disease, type C1. Also called: NEUROVISCERAL STORAGE DISEASE WITH VERTICAL SUPRANUCLEAR OPHTHALMOPLEGIA; NIEMANN-PICK DISEASE WITH CHOLESTEROL ESTERIFICATION BLOCK; NIEMANN-PICK DISEASE WITHOUT SPHINGOMYELINASE DEFICIENCY; NIEMANN-PICK DISEASE, CHRONIC NEURONOPATHIC FORM; NIEMANN-PICK DISEASE, VARIANT TYPE C1. Identifiers: Orphanet 646, MedGen C3179455, MONDO:0009757, OMIM 257220.

Allele frequency attached by ClinVar (database versions not stated): gnomAD exomes below 0.00001.
gnomAD v4.1: 1 of 1,614,244 alleles (0.000062%); highest among the groups gnomAD compares: South Asian, 0.0011%; no homozygotes.

Submissions (2):

PreventionGenetics, part of Exact Sciences
Classification: Likely benign for NPC1-related condition. Last evaluated: 2025-07-24. Review status: criteria provided, single submitter. Criteria: ACMG Guidelines, 2015. Collection method: clinical testing. Allele origin: germline.
Comment: This variant is classified as likely benign based on ACMG/AMP sequence variant interpretation guidelines (Richards et al. 2015 PMID: 25741868, with internal and published modifications).

Labcorp Genetics (formerly Invitae), Labcorp
Classification: Likely benign for Niemann-Pick disease, type C1. Last evaluated: 2024-01-10. Review status: criteria provided, single submitter. Criteria: Invitae Variant Classification Sherloc (09022015). Collection method: clinical testing. Allele origin: germline.

NM_000271.5(NPC1):c.2296T>C (p.Leu766=)

Gene: NPC1 (NPC intracellular cholesterol transporter 1; minus strand). Cytogenetic location: 18q11.2.
Variant type: single nucleotide variant.
Coding change: c.2296T>C on transcript NM_000271.5 (MANE Select); coding-DNA position 2296, T replaced by C.
Protein change: p.Leu766=; no amino-acid change (leucine 766 retained).
Molecular consequence: synonymous variant.
Genome position (GRCh38, 1-based): chr18:23,541,383, A>G on the plus strand (T>C on the coding strand, the complement: NPC1 is on the minus strand). VCF-style: chr18-23541383-A-G. GRCh37 (hg19) VCF-style: chr18-21121347-A-G.
Identifiers: ClinVar variation 763947 (VCV000763947.9), dbSNP rs1598948918, ClinGen allele CA503521803.